The following is an entry in ClinVar:

NM_201384.3(PLEC):c.7174A>G (p.Met2392Val)

Gene: PLEC (plectin; minus strand). Cytogenetic location: 8q24.3.
Variant type: single nucleotide variant.
Coding change: c.7174A>G on transcript NM_201384.3 (MANE Select); coding-DNA position 7174, A replaced by G.
Protein change: p.Met2392Val; replaces methionine 2392 with valine.
Molecular consequence: missense variant. On other transcripts: intron variant (1).
Genome position (GRCh38, 1-based): chr8:143,922,755, T>C on the plus strand (A>G on the coding strand, the complement: PLEC is on the minus strand). VCF-style: chr8-143922755-T-C. GRCh37 (hg19) VCF-style: chr8-144996923-T-C.
Other names: c.7255A>G, p.Met2419Val (NM_000445.5); c.7132A>G, p.Met2378Val (NM_201378.4); c.7108A>G, p.Met2370Val (NM_201379.3); c.7585A>G, p.Met2529Val (NM_201380.4); c.7078A>G, p.Met2360Val (NM_201381.3); c.7174A>G, p.Met2392Val (NM_201382.4); c.7186A>G, p.Met2396Val (NM_201383.3); c.4126-360A>G (NM_001410941.1); short protein forms M2360V, M2370V, M2378V, M2392V, M2396V, M2419V, M2529V.
Identifiers: ClinVar variation 3756532 (VCV003756532.2).

ClinVar aggregate classification (germline): Uncertain significance (1 of 4 stars; one submission).

Conditions:
Epidermolysis bullosa simplex with nail dystrophy (EBS5D). Identifiers: MedGen C4225309, MONDO:0014661, OMIM 616487.
Epidermolysis bullosa simplex, Ogna type (EBS5A). Also called: Pidermolysis bullosa simplex 5A, Ogna type; EPIDERMOLYSIS BULLOSA SIMPLEX 5A, OGNA TYPE. Identifiers: Orphanet 79401, MedGen C0432317, MONDO:0007555, OMIM 131950.
Autosomal recessive limb-girdle muscular dystrophy type 2Q (LGMDR17). Also called: MUSCULAR DYSTROPHY, LIMB-GIRDLE, AUTOSOMAL RECESSIVE 17. Identifiers: Orphanet 254361, MedGen C3150989, MONDO:0013390, OMIM 613723.
Epidermolysis bullosa simplex 5B, with muscular dystrophy (EBS5B). Also called: EPIDERMOLYSIS BULLOSA SIMPLEX AND LIMB-GIRDLE MUSCULAR DYSTROPHY; Epidermolysis bullosa simplex with muscular dystrophy. Identifiers: Orphanet 257, MedGen C2931072, MONDO:0009181, OMIM 226670.
Epidermolysis bullosa simplex 5C, with pyloric atresia (EBS5C). Also called: PLEC-Related Epidermolysis Bullosa with Pyloric Atresia; Epidermolysis bullosa simplex with pyloric atresia; PLEC1-Related Epidermolysis Bullosa with Pyloric Atresia. Identifiers: Orphanet 158684, MedGen C2677349, MONDO:0012807, OMIM 612138.

Submission:

Labcorp Genetics (formerly Invitae), Labcorp
Classification: Uncertain significance for Autosomal recessive limb-girdle muscular dystrophy type 2Q; Epidermolysis bullosa simplex, Ogna type; Epidermolysis bullosa simplex with nail dystrophy; Epidermolysis bullosa simplex 5C, with pyloric atresia; Epidermolysis bullosa simplex 5B, with muscular dystrophy. Last evaluated: 2024-05-24. Review status: criteria provided, single submitter. Criteria: Invitae Variant Classification Sherloc (09022015). Collection method: clinical testing. Allele origin: germline.
Comment: This sequence change replaces methionine, which is neutral and non-polar, with valine, which is neutral and non-polar, at codon 2419 of the PLEC protein (p.Met2419Val). This variant is not present in population databases (gnomAD no frequency). This variant has not been reported in the literature in individuals affected with PLEC-related conditions. Advanced modeling of protein sequence and biophysical properties (such as structural, functional, and spatial information, amino acid conservation, physicochemical variation, residue mobility, and thermodynamic stability) performed at Invitae indicates that this missense variant is not expected to disrupt PLEC protein function with a negative predictive value of 80%. In summary, the available evidence is currently insufficient to determine the role of this variant in disease. Therefore, it has been classified as a Variant of Uncertain Significance.